The following is an entry in ClinVar:

NM_013450.4(BAZ2B):c.1612A>T (p.Ser538Cys)

Gene: BAZ2B (bromodomain adjacent to zinc finger domain 2B; minus strand). Cytogenetic location: 2q24.2.
Variant type: single nucleotide variant.
Coding change: c.1612A>T on transcript NM_013450.4 (MANE Select); coding-DNA position 1612, A replaced by T.
Protein change: p.Ser538Cys; replaces serine 538 with cysteine.
Molecular consequence: missense variant.
Genome position (GRCh38, 1-based): chr2:159,433,045, T>A on the plus strand (A>T on the coding strand, the complement: BAZ2B is on the minus strand). VCF-style: chr2-159433045-T-A. GRCh37 (hg19) VCF-style: chr2-160289556-T-A.
Other names: c.1606A>T, p.Ser536Cys (NM_001289975.1); c.1423A>T, p.Ser475Cys (NM_001329857.2); c.1612A>T, p.Ser538Cys (NM_001329858.2); short protein forms S475C, S536C, S538C.
Identifiers: ClinVar variation 3342932 (VCV003342932.1).

ClinVar aggregate classification (germline): Uncertain significance (1 of 4 stars; one submission).

Submission:

GeneDx
Classification: Uncertain significance. Last evaluated: 2023-03-26. Review status: criteria provided, single submitter. Criteria: GeneDx Variant Classification Process June 2021. Collection method: clinical testing. Allele origin: germline. Affected: yes.
Comment: Not observed at significant frequency in large population cohorts (gnomAD); In silico analysis supports that this missense variant does not alter protein structure/function; Has not been previously published as pathogenic or benign to our knowledge; Variants in candidate genes are classified as variants of uncertain significance in accordance with ACMG guidelines (Richards et al., 2015)